The following is an entry in ClinVar:

NM_000214.3(JAG1):c.1616A>G (p.Gln539Arg)

Gene: JAG1 (jagged canonical Notch ligand 1; minus strand). Cytogenetic location: 20p12.2.
Variant type: single nucleotide variant.
Coding change: c.1616A>G on transcript NM_000214.3 (MANE Select); coding-DNA position 1616, A replaced by G.
Protein change: p.Gln539Arg; replaces glutamine 539 with arginine.
Molecular consequence: missense variant.
Genome position (GRCh38, 1-based): chr20:10,648,064, T>C on the plus strand (A>G on the coding strand, the complement: JAG1 is on the minus strand). VCF-style: chr20-10648064-T-C. GRCh37 (hg19) VCF-style: chr20-10628712-T-C.
Other names: short protein forms Q539R.
Identifiers: ClinVar variation 1896638 (VCV001896638.5), dbSNP rs2067321448, ClinGen allele CA408236938.

ClinVar aggregate classification (germline): Uncertain significance (1 of 4 stars; one submission).

Conditions:
Alagille syndrome due to a JAG1 point mutation. Also called: JAG1-Related Alagille Syndrome; HEPATIC DUCTULAR HYPOPLASIA, SYNDROMATIC; Alagille Syndrome 1. Identifiers: Orphanet 261619, Orphanet 52, MedGen C1956125, MONDO:0016862, OMIM 118450.

Allele frequency attached by ClinVar (database versions not stated): gnomAD exomes below 0.00001; TOPMed below 0.00001; gnomAD 0.00001.
gnomAD v4.1: 2 of 1,614,018 alleles (0.00012%); highest among the groups gnomAD compares: African/African-American, 0.0027%; no homozygotes.

Submission:

Labcorp Genetics (formerly Invitae), Labcorp
Classification: Uncertain significance for Alagille syndrome due to a JAG1 point mutation. Last evaluated: 2022-07-06. Review status: criteria provided, single submitter. Criteria: Invitae Variant Classification Sherloc (09022015). Collection method: clinical testing. Allele origin: germline.
Comment: Advanced modeling of protein sequence and biophysical properties (such as structural, functional, and spatial information, amino acid conservation, physicochemical variation, residue mobility, and thermodynamic stability) performed at Invitae indicates that this missense variant is not expected to disrupt JAG1 protein function. In summary, the available evidence is currently insufficient to determine the role of this variant in disease. Therefore, it has been classified as a Variant of Uncertain Significance. This sequence change replaces glutamine, which is neutral and polar, with arginine, which is basic and polar, at codon 539 of the JAG1 protein (p.Gln539Arg). This variant has not been reported in the literature in individuals affected with JAG1-related conditions. This variant is not present in population databases (gnomAD no frequency).